The following is an entry in ClinVar:

ClinVar aggregate classification (germline): Benign (1 of 4 stars; one submission).

Submission:

Women's Health and Genetics/Laboratory Corporation of America, LabCorp
Classification: Benign. Last evaluated: 2025-05-28. Review status: criteria provided, single submitter. Criteria: LabCorp Variant Classification Summary - May 2015. Collection method: clinical testing. Allele origin: germline.
Comment: Variant summary: KIF14 c.1864-5_1864-2delTGCA (alternatively named as c.1864-9_1864-5delTGCA) is located at a position not widely known to affect splicing. Consensus agreement among computation tools predicts no significant impact on normal splicing. However, these predictions have yet to be confirmed by functional studies. The variant allele was found at a frequency of 6.6e-05 in 1514290 control chromosomes (including 1 homozygote), predominantly at a frequency of 0.0011 within the South Asian subpopulation in the gnomAD database. The observed variant frequency within South Asian control individuals in the gnomAD database is approximately 2.8-fold of the estimated maximal expected allele frequency for a pathogenic variant in KIF14 causing Joubert Syndrome And Related Disorders phenotype (0.0004). To our knowledge, no occurrence of c.1864-5_1864-2delTGCA in individuals affected with Joubert Syndrome And Related Disorders and no experimental evidence demonstrating its impact on protein function have been reported. No submitters have cited clinical-significance assessments for this variant to ClinVar. Based on the evidence outlined above, the variant was classified as benign.

NM_014875.3(KIF14):c.1864-5_1864-2del

Gene: KIF14 (kinesin family member 14; minus strand). Cytogenetic location: 1q32.1.
Variant type: Microsatellite.
Coding change: c.1864-5_1864-2del on transcript NM_014875.3 (MANE Select); 5 bases into the intron before coding-DNA position 1864 through the canonical splice acceptor site of the intron before coding-DNA position 1864, 4 bases deleted (TGCA; older notation c.1864-5_1864-2delTGCA).
Molecular consequence: splice acceptor variant.
Genome position (GRCh38, 1-based): chr1:200,603,343-200,603,346, TGCA deleted on the plus strand (TGCA on the coding strand, the reverse complement: KIF14 is on the minus strand); deleting any 4 consecutive bases within chr1:200,603,343-200,603,350 gives the same sequence; the c. name uses the placement nearest the transcript's 3' end. VCF-style (leftmost placement, unchanged base first): chr1-200603342-CTGCA-C. GRCh37 (hg19) VCF-style: chr1-200572470-CTGCA-C.
Other names: c.391-5_391-2del (NM_001305792.1); c.1864-5_1864-2delTGCA (NM_014875.3).
Identifiers: ClinVar variation 3902626 (VCV003902626.1).